The following is an entry in ClinVar:

NM_000059.4(BRCA2):c.9025del (p.Tyr3009fs)

Gene: BRCA2 (BRCA2 DNA repair associated; plus strand). Cytogenetic location: 13q13.1.
Variant type: Deletion.
Coding change: c.9025del on transcript NM_000059.4 (MANE Select); coding-DNA position 9025, one base deleted (T; older notation c.9025delT).
Protein change: p.Tyr3009fs; shifts the reading frame from tyrosine 3009.
Molecular consequence: frameshift variant.
Genome position (GRCh38, 1-based): chr13:32,379,821, T deleted; the last of 3 consecutive T bases (chr13:32,379,819-32,379,821); deleting any one gives the same sequence. VCF-style (leftmost placement, unchanged base first): chr13-32379818-AT-A. GRCh37 (hg19) VCF-style: chr13-32953955-AT-A.
Other names: c.9025delT (NM_000059.3).
Identifiers: ClinVar variation 187238 (VCV000187238.10), dbSNP rs786203575, ClinGen allele CA025932.

ClinVar aggregate classification (germline): Pathogenic. Review status: reviewed by expert panel (3 of 4 stars). 4 submissions from 4 submitters: Pathogenic (1). 3 of the submissions do not count toward it. Last evaluated 2016-09-08.

Conditions:
Breast-ovarian cancer, familial, susceptibility to, 2 (BROVCA2). Also called: BRCA2 Hereditary Breast and Ovarian Cancer. Identifiers: Orphanet 145, MedGen C2675520, MONDO:0012933, OMIM 612555. Disease mechanism: loss of function.
Hereditary cancer-predisposing syndrome. Also called: Hereditary Cancer Syndrome; Neoplastic Syndromes, Hereditary; Tumor predisposition; Hereditary neoplastic syndrome. Identifiers: Orphanet 140162, MedGen C0027672, MeSH D009386, MONDO:0015356.
Familial cancer of breast. Also called: BREAST CANCER, FAMILIAL; Hereditary breast cancer; hereditary breast carcinoma. Identifiers: Orphanet 227535, MedGen C0346153, MONDO:0016419, OMIM 114480. Disease mechanism: loss of function.

Submissions (4):

Evidence-based Network for the Interpretation of Germline Mutant Alleles (ENIGMA)
Classification: Pathogenic for Breast-ovarian cancer, familial, susceptibility to, 2. Last evaluated: 2016-09-08. Review status: reviewed by expert panel. Criteria: ENIGMA BRCA1/2 Classification Criteria (2015). Collection method: curation. Allele origin: germline.
Comment: Variant allele predicted to encode a truncated non-functional protein.

Baylor Genetics
Classification: Pathogenic for Familial cancer of breast. Last evaluated: 2022-05-05. Review status: criteria provided, single submitter. Criteria: ACMG Guidelines, 2015. Collection method: clinical testing. Allele origin: unknown. Not counted in ClinVar's aggregate classification.

Ambry Genetics
Classification: Pathogenic for Hereditary cancer-predisposing syndrome. Last evaluated: 2018-04-30. Review status: criteria provided, single submitter. Criteria: Ambry Variant Classification Scheme 2023. Collection method: clinical testing. Allele origin: germline. Not counted in ClinVar's aggregate classification.
Comment: The c.9025delT pathogenic mutation, located in coding exon 22 of the BRCA2 gene, results from a deletion of one nucleotide at nucleotide position 9025, causing a translational frameshift with a predicted alternate stop codon (p.Y3009Ifs*19). Family history of this individual included two relatives with breast cancer, at least one of them having been diagnosed before age 50 (de Juan Jim&eacute;nez I et al. Fam. Cancer 2013 Dec; 12(4):767-77). In addition to the clinical data presented in the literature, this alteration is expected to result in loss of function by premature protein truncation or nonsense-mediated mRNA decay. As such, this alteration is interpreted as a disease-causing mutation.

Consortium of Investigators of Modifiers of BRCA1/2 (CIMBA), c/o University of Cambridge
Classification: Pathogenic for Breast-ovarian cancer, familial, susceptibility to, 2. Last evaluated: 2015-10-02. Review status: criteria provided, single submitter. Criteria: CIMBA Mutation Classification guidelines May 2016. Collection method: clinical testing. Allele origin: germline. Not counted in ClinVar's aggregate classification.

Literature cited by the submitters: PubMed 23479189 (cited by Ambry Genetics).